The following is an entry in ClinVar:

NM_002242.4(KCNJ13):c.133T>C (p.Trp45Arg)

Genes: GIGYF2 (GRB10 interacting GYF protein 2; plus strand), KCNJ13 (potassium inwardly rectifying channel subfamily J member 13; minus strand). Cytogenetic location: 2q37.1.
Variant type: single nucleotide variant.
Coding change: c.133T>C on transcript NM_002242.4 (MANE Select); coding-DNA position 133, T replaced by C.
Protein change: p.Trp45Arg; replaces tryptophan 45 with arginine.
Molecular consequence: missense variant. On other transcripts: intron variant (5).
Genome position (GRCh38, 1-based): chr2:232,771,230, A>G on the plus strand (T>C on the coding strand, the complement: KCNJ13 is on the minus strand). VCF-style: chr2-232771230-A-G. GRCh37 (hg19) VCF-style: chr2-233635940-A-G.
Other names: c.133T>C, p.Trp45Arg (NM_001172416.1); c.532+9794A>G (NM_001103146.3, NM_015575.4, NM_001103148.2); c.533-5182A>G (NM_001103147.2); c.-23-85T>C (NM_001172417.1); short protein forms W45R.
Identifiers: ClinVar variation 1423296 (VCV001423296.9), dbSNP rs2106339678, ClinGen allele CA351014152.

ClinVar aggregate classification (germline): Uncertain significance. Review status: criteria provided, multiple submitters, no conflicts (2 of 4 stars). 2 submissions from 2 submitters: Uncertain significance (2). Last evaluated 2022-09-27.

Submissions (2):

Blueprint Genetics
Classification: Uncertain significance. Last evaluated: 2022-09-27. Review status: criteria provided, single submitter. Criteria: ACMG Guidelines, 2015. Collection method: clinical testing. Allele origin: germline.

Labcorp Genetics (formerly Invitae), Labcorp
Classification: Uncertain significance. Last evaluated: 2022-06-13. Review status: criteria provided, single submitter. Criteria: Invitae Variant Classification Sherloc (09022015). Collection method: clinical testing. Allele origin: germline.
Comment: In summary, the available evidence is currently insufficient to determine the role of this variant in disease. Therefore, it has been classified as a Variant of Uncertain Significance. Algorithms developed to predict the effect of missense changes on protein structure and function are either unavailable or do not agree on the potential impact of this missense change (SIFT: "Deleterious"; PolyPhen-2: "Probably Damaging"; Align-GVGD: "Class C15"). This variant has not been reported in the literature in individuals affected with KCNJ13-related conditions. This variant is not present in population databases (gnomAD no frequency). This sequence change replaces tryptophan, which is neutral and slightly polar, with arginine, which is basic and polar, at codon 45 of the KCNJ13 protein (p.Trp45Arg).